The following is an entry in ClinVar:

NM_004415.4(DSP):c.6224G>A (p.Arg2075Gln)

Gene: DSP (desmoplakin; plus strand). Cytogenetic location: 6p24.3.
Variant type: single nucleotide variant.
Coding change: c.6224G>A on transcript NM_004415.4 (MANE Select); coding-DNA position 6224, G replaced by A.
Protein change: p.Arg2075Gln; replaces arginine 2075 with glutamine.
Molecular consequence: missense variant.
Genome position (GRCh38, 1-based): chr6:7,583,486, G>A. VCF-style: chr6-7583486-G-A. GRCh37 (hg19) VCF-style: chr6-7583719-G-A.
Other names: c.4427G>A, p.Arg1476Gln (NM_001008844.3); c.4895G>A, p.Arg1632Gln (NM_001319034.2); short protein forms R2075Q, R1476Q, R1632Q.
Identifiers: ClinVar variation 845208 (VCV000845208.11), dbSNP rs759000314, ClinGen allele CA047105.
Genomic context (GRCh38, chr6:7,583,486, plus strand): 5'-CAGGTGGTATAATTGATCCCCATCGGAATGAGAAGCTGACTGTCGACAGTGCCATAGCTC[G>A]GGACCTCATTGACTTCGATGACCGTCAGCAGATATATGCAGCAGAAAAAGCTATCACTGG-3'
Protein context (NP_004406.2, residues 2065-2085): EKLTVDSAIA[Arg2075Gln]DLIDFDDRQQ

ClinVar aggregate classification (germline): Conflicting classifications of pathogenicity. Review status: criteria provided, conflicting classifications (1 of 4 stars). 3 submissions from 3 submitters: Uncertain significance (2); Likely benign (1). Last evaluated 2025-10-17.

Conditions:
Arrhythmogenic cardiomyopathy with wooly hair and keratoderma. Also called: PALMOPLANTAR KERATODERMA WITH LEFT VENTRICULAR CARDIOMYOPATHY AND WOOLLY HAIR; Arrhythmogenic cardiomyopathy with woolly hair and keratoderma; Carvajal syndrome; Dilated cardiomyopathy with woolly hair and keratoderma. Identifiers: Orphanet 65282, MedGen C1854063, MONDO:0011581, OMIM 605676.
Arrhythmogenic right ventricular dysplasia 8 (ARVD8). Also called: Arrhythmogenic Right Ventricular Dysplasia/Cardiomyopathy 8; ARRHYTHMOGENIC RIGHT VENTRICULAR DYSPLASIA, FAMILIAL, 8; ARRHYTHMOGENIC RIGHT VENTRICULAR CARDIOMYOPATHY 8. Identifiers: MedGen C1843896, MONDO:0011831, OMIM 607450.
Cardiomyopathy (CMYO). Also called: Cardiomyopathies. Identifiers: Orphanet 167848, MedGen C0878544, MONDO:0004994, HP:0001638. Inheritance: Various modes of inheritance.

Allele frequency attached by ClinVar (database versions not stated): ExAC 0.00001; gnomAD 0.00001; gnomAD exomes 0.00001; TOPMed 0.00001.
gnomAD v4.1: 12 of 1,613,974 alleles (0.00074%); highest among the groups gnomAD compares: African/African-American, 0.0027%; no homozygotes.

Submissions (3):

Labcorp Genetics (formerly Invitae), Labcorp
Classification: Likely benign for Arrhythmogenic cardiomyopathy with wooly hair and keratoderma; Arrhythmogenic right ventricular dysplasia 8. Last evaluated: 2025-10-17. Review status: criteria provided, single submitter. Criteria: Invitae Variant Classification Sherloc (09022015). Collection method: clinical testing. Allele origin: germline.

Color Diagnostics, LLC DBA Color Health
Classification: Uncertain significance for Cardiomyopathy. Last evaluated: 2025-09-09. Review status: criteria provided, single submitter. Criteria: ACMG Guidelines, 2015. Collection method: clinical testing. Allele origin: germline.
Comment: This missense variant replaces arginine with glutamine at codon 2075 of the DSP protein. Computational prediction suggests that this variant may not impact protein structure and function. To our knowledge, functional studies have not been reported for this variant. This variant has not been reported in individuals affected with DSP-related disorders in the literature. This variant has been identified in 2/250980 chromosomes in the general population by the Genome Aggregation Database (gnomAD). The available evidence is insufficient to determine the role of this variant in disease conclusively. Therefore, this variant is classified as a Variant of Uncertain Significance.

Blueprint Genetics
Classification: Uncertain significance. Last evaluated: 2024-02-21. Review status: criteria provided, single submitter. Criteria: ACMG Guidelines, 2015. Collection method: clinical testing. Allele origin: germline.